The following is an entry in ClinVar:

ClinVar aggregate classification (germline): Uncertain significance. Review status: criteria provided, multiple submitters, no conflicts (2 of 4 stars). 5 submissions from 4 submitters: Uncertain significance (5). Last evaluated 2025-03-22.

Conditions:
Inborn genetic diseases. Identifiers: MedGen C0950123, MeSH D030342.
Lethal Kniest-like syndrome (DDSH). Also called: Dyssegmental Dysplasia. Identifiers: Orphanet 1865, MedGen C1857100, MONDO:0009140, OMIM 224410.
Schwartz-Jampel syndrome. Also called: Myotonic myopathy dwarfism chondrodystrophy and ocular and facial abnormalities. Identifiers: Orphanet 800, MedGen C0036391, MONDO:0009717.

Allele frequency attached by ClinVar (database versions not stated): gnomAD 0.00005 and 0.00006; TOPMed 0.00006; ESP Exome Variant Server 0.00008.
gnomAD v4.1: 220 of 1,613,620 alleles (0.014%); highest among the groups gnomAD compares: Non-Finnish European, 0.018%; no homozygotes.

Submissions (5):

Ambry Genetics
Classification: Uncertain significance for Inborn genetic diseases. Last evaluated: 2025-03-22. Review status: criteria provided, single submitter. Criteria: Ambry Variant Classification Scheme 2023. Collection method: clinical testing. Allele origin: germline.

Athena Diagnostics
Classification: Uncertain significance. Last evaluated: 2024-10-29. Review status: criteria provided, single submitter. Criteria: Athena Diagnostics Criteria. Collection method: clinical testing. Allele origin: unknown.
Comment: Available data are insufficient to determine the clinical significance of the variant at this time. The frequency of this variant in the general population is uninformative in assessment of its pathogenicity. Polyphen and MutationTaster yielded discordant predictions regarding whether this amino acid change is damaging to the protein.

Labcorp Genetics (formerly Invitae), Labcorp
Classification: Uncertain significance. Last evaluated: 2022-08-31. Review status: criteria provided, single submitter. Criteria: Invitae Variant Classification Sherloc (09022015). Collection method: clinical testing. Allele origin: germline.
Comment: This sequence change replaces glutamine, which is neutral and polar, with arginine, which is basic and polar, at codon 2757 of the HSPG2 protein (p.Gln2757Arg). This variant is present in population databases (rs375390882, gnomAD 0.01%). This variant has not been reported in the literature in individuals affected with HSPG2-related conditions. ClinVar contains an entry for this variant (Variation ID: 586006). Algorithms developed to predict the effect of missense changes on protein structure and function (SIFT, PolyPhen-2, Align-GVGD) all suggest that this variant is likely to be tolerated. In summary, the available evidence is currently insufficient to determine the role of this variant in disease. Therefore, it has been classified as a Variant of Uncertain Significance.

Illumina Laboratory Services, Illumina
Classification: Uncertain significance for Lethal Kniest-like syndrome. Last evaluated: 2018-01-12. Review status: criteria provided, single submitter. Criteria: ICSL Variant Classification Criteria 13 December 2019. Collection method: clinical testing. Allele origin: germline.

Illumina Laboratory Services, Illumina
Classification: Uncertain significance for Schwartz-Jampel syndrome type 1. Last evaluated: 2018-01-12. Review status: criteria provided, single submitter. Criteria: ICSL Variant Classification Criteria 13 December 2019. Collection method: clinical testing. Allele origin: germline.

NM_005529.7(HSPG2):c.8270A>G (p.Gln2757Arg)

Gene: HSPG2 (heparan sulfate proteoglycan 2; minus strand). Cytogenetic location: 1p36.12.
Variant type: single nucleotide variant.
Coding change: c.8270A>G on transcript NM_005529.7 (MANE Select); coding-DNA position 8270, A replaced by G.
Protein change: p.Gln2757Arg; replaces glutamine 2757 with arginine.
Molecular consequence: missense variant.
Genome position (GRCh38, 1-based): chr1:21,846,494, T>C on the plus strand (A>G on the coding strand, the complement: HSPG2 is on the minus strand). VCF-style: chr1-21846494-T-C. GRCh37 (hg19) VCF-style: chr1-22172987-T-C.
Other names: c.8273A>G, p.Gln2758Arg (NM_001291860.2); short protein forms Q2757R, Q2758R.
Identifiers: ClinVar variation 586006 (VCV000586006.10), dbSNP rs375390882, ClinGen allele CA670852.